The following is an entry in ClinVar:

NM_152328.5(ADSS1):c.948+2dup

Gene: ADSS1 (adenylosuccinate synthase 1; plus strand). Cytogenetic location: 14q32.33.
Variant type: Duplication.
Coding change: c.948+2dup on transcript NM_152328.5 (MANE Select); the canonical splice donor site of the intron after coding-DNA position 948, one base duplicated (T; older notation c.948+2dupT).
Molecular consequence: splice donor variant.
Genome position (GRCh38, 1-based): chr14:104,742,004, T duplicated. VCF-style (leftmost placement, unchanged base first): chr14-104742003-G-GT. GRCh37 (hg19) VCF-style: chr14-105208340-G-GT.
Other names: c.1077+2dup (NM_199165.2); c.333+2dup (NM_001320424.1).
Identifiers: ClinVar variation 1976397 (VCV001976397.2), dbSNP rs2542035263, ClinGen allele CA2580088490.
Genomic context (GRCh38, chr14:104,742,003, plus strand): 5'-GTGGTGAAAGCCTATACCACACGTGTGGGCATCGGGGCCTTCCCCACCGAGCAGATCAAC[G>GT]TGAGTCCCCAGCCCCTCGGGACCCCGTGGGAGGACAGGGAGGCCAGGCAGGGGTGCCGGG-3'

ClinVar aggregate classification (germline): Uncertain significance (1 of 4 stars; one submission).

Allele frequency attached by ClinVar (database versions not stated): gnomAD exomes 0.00001.

Submission:

Labcorp Genetics (formerly Invitae), Labcorp
Classification: Uncertain significance. Last evaluated: 2022-03-10. Review status: criteria provided, single submitter. Criteria: Invitae Variant Classification Sherloc (09022015). Collection method: clinical testing. Allele origin: germline.
Comment: This sequence change falls in intron 9 of the ADSSL1 gene. It does not directly change the encoded amino acid sequence of the ADSSL1 protein. It affects a nucleotide within the consensus splice site. This variant is not present in population databases (gnomAD no frequency). This variant has not been reported in the literature in individuals affected with ADSSL1-related conditions. Variants that disrupt the consensus splice site are a relatively common cause of aberrant splicing (PMID: 17576681, 9536098). Algorithms developed to predict the effect of sequence changes on RNA splicing suggest that this variant may disrupt the consensus splice site. In summary, the available evidence is currently insufficient to determine the role of this variant in disease. Therefore, it has been classified as a Variant of Uncertain Significance.

Literature cited by the submitters: PubMed 17576681; PubMed 9536098.